The following is an entry in ClinVar:

NC_000005.10:g.112851096T>G

Variant type: single nucleotide variant.
Genome position: GRCh38 VCF-style: chr5-112851096-T-G. GRCh37 (hg19) VCF-style: chr5-112186793-T-G.
Identifiers: ClinVar variation 82688 (VCV000082688.3), dbSNP rs74882763, ClinGen allele CA250828.

ClinVar aggregate classification (germline): other (0 of 4 stars; one submission).

Conditions:
Familial colorectal cancer. Identifiers: MedGen CN280943, MONDO:0023113. Disease mechanism: loss of function.

Submission:

Systems Biology Platform Zhejiang California International NanoSystems Institute
Classification: other for Familial colorectal cancer. Review status: no assertion criteria provided. Collection method: not provided. Allele origin: unknown.
ClinVar note: Converted during submission from cancer to other.